The following is an entry in ClinVar:

NM_005051.3(QARS1):c.1700G>A (p.Arg567Gln)

Gene: QARS1 (glutaminyl-tRNA synthetase 1; minus strand). Cytogenetic location: 3p21.31.
Variant type: single nucleotide variant.
Coding change: c.1700G>A on transcript NM_005051.3 (MANE Select); coding-DNA position 1700, G replaced by A.
Protein change: p.Arg567Gln; replaces arginine 567 with glutamine.
Molecular consequence: missense variant. On other transcripts: non-coding transcript variant (1).
Genome position (GRCh38, 1-based): chr3:49,099,168, C>T on the plus strand (G>A on the coding strand, the complement: QARS1 is on the minus strand). VCF-style: chr3-49099168-C-T. GRCh37 (hg19) VCF-style: chr3-49136601-C-T.
Other names: c.1667G>A, p.Arg556Gln (NM_001272073.2); short protein forms R567Q, R556Q.
Identifiers: ClinVar variation 952087 (VCV000952087.7), dbSNP rs1468382416, ClinGen allele CA352703570.
Genomic context (GRCh38, chr3:49,099,168, plus strand): 5'-ACCTTGGCAGCAGGAAAGTTGGTGATGATGACCCGTAGTGACTCCAGCACAGCCATGGCT[C>T]GTGGGGCTGTGTCATTCAGCACATCACGCACACAGGCTTCTAGAAGATGTGGCTCCATTG-3'
Protein context (NP_005042.1, residues 557-577): VRDVLNDTAP[Arg567Gln]AMAVLESLRV

ClinVar aggregate classification (germline): Conflicting classifications of pathogenicity. Review status: criteria provided, conflicting classifications (1 of 4 stars). 2 submissions from 2 submitters: Likely pathogenic (1); Uncertain significance (1). Last evaluated 2025-04-15.

Conditions:
Diffuse cerebral and cerebellar atrophy - intractable seizures - progressive microcephaly syndrome. Also called: Microcephaly, progressive, with seizures and cerebral and cerebellar atrophy. Identifiers: Orphanet 404437, MedGen C4014239, MONDO:0014335, OMIM 615760.

gnomAD v4.1: 8 of 1,614,142 alleles (0.0005%); highest among the groups gnomAD compares: Non-Finnish European, 0.00068%; no homozygotes.

Submissions (2):

GeneDx
Classification: Likely pathogenic. Last evaluated: 2025-04-15. Review status: criteria provided, single submitter. Criteria: GeneDx Variant Classification Process June 2021. Collection method: clinical testing. Allele origin: germline.
Comment: Not observed at significant frequency in large population cohorts (gnomAD); In silico analysis supports that this missense variant has a deleterious effect on protein structure/function; This variant is associated with the following publications: (PMID: 25471517, 34946966)

Labcorp Genetics (formerly Invitae), Labcorp
Classification: Uncertain significance for Diffuse cerebral and cerebellar atrophy - intractable seizures - progressive microcephaly syndrome. Last evaluated: 2019-11-06. Review status: criteria provided, single submitter. Criteria: Invitae Variant Classification Sherloc (09022015). Collection method: clinical testing. Allele origin: germline.
Comment: In summary, the available evidence is currently insufficient to determine the role of this variant in disease. Therefore, it has been classified as a Variant of Uncertain Significance. This sequence change replaces arginine with glutamine at codon 567 of the QARS protein (p.Arg567Gln). The arginine residue is highly conserved and there is a small physicochemical difference between arginine and glutamine. This variant is not present in population databases (ExAC no frequency). This variant has not been reported in the literature in individuals with QARS-related conditions. Algorithms developed to predict the effect of missense changes on protein structure and function (SIFT, PolyPhen-2, Align-GVGD) all suggest that this variant is likely to be disruptive, but these predictions have not been confirmed by published functional studies and their clinical significance is uncertain.